The following is an entry in ClinVar:

NM_014865.4(NCAPD2):c.1612G>C (p.Glu538Gln)

Gene: NCAPD2 (non-SMC condensin I complex subunit D2; plus strand). Cytogenetic location: 12p13.31.
Variant type: single nucleotide variant.
Coding change: c.1612G>C on transcript NM_014865.4 (MANE Select); coding-DNA position 1612, G replaced by C.
Protein change: p.Glu538Gln; replaces glutamic acid 538 with glutamine.
Molecular consequence: missense variant.
Genome position (GRCh38, 1-based): chr12:6,521,008, G>C. VCF-style: chr12-6521008-G-C. GRCh37 (hg19) VCF-style: chr12-6630174-G-C.
Other names: short protein forms E538Q.
Identifiers: ClinVar variation 1803342 (VCV001803342.4), dbSNP rs139063293, ClinGen allele CA6408452.

ClinVar aggregate classification (germline): Conflicting classifications of pathogenicity. Review status: criteria provided, conflicting classifications (1 of 4 stars). 3 submissions from 3 submitters: Uncertain significance (1); Likely benign (1). 1 of the submissions does not count toward it. Last evaluated 2022-06-09.

Conditions:
Inborn genetic diseases. Identifiers: MedGen C0950123, MeSH D030342.
NCAPD2-related disorder. Also called: NCAPD2-related condition.

Allele frequency attached by ClinVar (database versions not stated): gnomAD 0.00147; ESP Exome Variant Server 0.00154; TOPMed 0.00159; 1000 Genomes Project 30x 0.00265; 1000 Genomes Project 0.00280.

Submissions (3):

GeneDx
Classification: Uncertain significance. Last evaluated: 2022-06-09. Review status: criteria provided, single submitter. Criteria: GeneDx Variant Classification Process June 2021. Collection method: clinical testing. Allele origin: germline. Affected: yes.
Comment: In silico analysis supports that this missense variant does not alter protein structure/function; Has not been previously published as pathogenic or benign to our knowledge

Ambry Genetics
Classification: Likely benign for Inborn genetic diseases. Last evaluated: 2022-05-10. Review status: criteria provided, single submitter. Criteria: Ambry Variant Classification Scheme 2023. Collection method: clinical testing. Allele origin: germline.

PreventionGenetics, part of Exact Sciences
Classification: Likely benign for NCAPD2-related condition. Last evaluated: 2019-12-16. Review status: no assertion criteria provided. Collection method: clinical testing. Allele origin: germline. Not counted in ClinVar's aggregate classification.
Comment: This variant is classified as likely benign based on ACMG/AMP sequence variant interpretation guidelines (Richards et al. 2015 PMID: 25741868, with internal and published modifications).